The following is an entry in ClinVar:

NM_000384.3(APOB):c.11081C>T (p.Thr3694Ile)

Gene: APOB (apolipoprotein B; minus strand). Cytogenetic location: 2p24.1.
Variant type: single nucleotide variant.
Coding change: c.11081C>T on transcript NM_000384.3 (MANE Select); coding-DNA position 11081, C replaced by T.
Protein change: p.Thr3694Ile; replaces threonine 3694 with isoleucine.
Molecular consequence: missense variant.
Genome position (GRCh38, 1-based): chr2:21,005,787, G>A on the plus strand (C>T on the coding strand, the complement: APOB is on the minus strand). VCF-style: chr2-21005787-G-A. GRCh37 (hg19) VCF-style: chr2-21228659-G-A.
Other names: short protein forms T3694I.
Identifiers: ClinVar variation 3932832 (VCV003932832.1).

ClinVar aggregate classification (germline): Uncertain significance (1 of 4 stars; one submission).

Conditions:
Cardiovascular phenotype. Identifiers: MedGen CN230736.

gnomAD v4.1: 2 of 1,613,880 alleles (0.00012%); highest among the groups gnomAD compares: African/African-American, 0.0013%; no homozygotes.

Submission:

Ambry Genetics
Classification: Uncertain significance for Cardiovascular phenotype. Last evaluated: 2025-04-14. Review status: criteria provided, single submitter. Criteria: Ambry Variant Classification Scheme 2023. Collection method: clinical testing. Allele origin: germline.
Comment: The p.T3694I variant (also known as c.11081C>T), located in coding exon 26 of the APOB gene, results from a C to T substitution at nucleotide position 11081. The threonine at codon 3694 is replaced by isoleucine, an amino acid with similar properties. This amino acid position is conserved. In addition, the in silico prediction for this alteration is inconclusive. Based on the available evidence, the clinical significance of this variant remains unclear.